The following is an entry in ClinVar:

NM_031866.3(FZD8):c.1089G>C (p.Ala363=)

Gene: FZD8 (frizzled class receptor 8; minus strand). Cytogenetic location: 10p11.21.
Variant type: single nucleotide variant.
Coding change: c.1089G>C on transcript NM_031866.3 (MANE Select); coding-DNA position 1089, G replaced by C.
Protein change: p.Ala363=; no amino-acid change (alanine 363 retained).
Molecular consequence: synonymous variant.
Genome position (GRCh38, 1-based): chr10:35,640,341, C>G on the plus strand (G>C on the coding strand, the complement: FZD8 is on the minus strand). VCF-style: chr10-35640341-C-G. GRCh37 (hg19) VCF-style: chr10-35929269-C-G.
Identifiers: ClinVar variation 3777822 (VCV003777822.7).

ClinVar aggregate classification (germline): Likely benign (1 of 4 stars; one submission).

gnomAD v4.1: 334 of 966,992 alleles (0.035%); highest among the groups gnomAD compares: South Asian, 0.8%; 3 homozygotes.

Submission:

CeGaT Center for Human Genetics Tuebingen
Classification: Likely benign. Last evaluated: 2025-03-01. Review status: criteria provided, single submitter. Criteria: CeGaT Center For Human Genetics Tuebingen Variant Classification Criteria Version 2. Collection method: clinical testing. Allele origin: germline. Affected: yes. Observed: 1 variant allele.
Comment: FZD8: BP4, BP7